The following is an entry in ClinVar:

NM_002439.5(MSH3):c.2005C>T (p.Arg669Trp)

Gene: MSH3 (mutS homolog 3; plus strand). Cytogenetic location: 5q14.1.
Variant type: single nucleotide variant.
Coding change: c.2005C>T on transcript NM_002439.5 (MANE Select); coding-DNA position 2005, C replaced by T.
Protein change: p.Arg669Trp; replaces arginine 669 with tryptophan.
Molecular consequence: missense variant.
Genome position (GRCh38, 1-based): chr5:80,768,041, C>T. VCF-style: chr5-80768041-C-T. GRCh37 (hg19) VCF-style: chr5-80063860-C-T.
Other names: short protein forms R669W.
Identifiers: ClinVar variation 733995 (VCV000733995.28), dbSNP rs35045151, ClinGen allele CA3328110.

ClinVar aggregate classification (germline): Conflicting classifications of pathogenicity. Review status: criteria provided, conflicting classifications (1 of 4 stars). 8 submissions from 8 submitters: Uncertain significance (4); Likely benign (3). 1 of the submissions does not count toward it. Last evaluated 2026-01-27.

Conditions:
Hereditary cancer-predisposing syndrome. Also called: Hereditary neoplastic syndrome; Tumor predisposition; Hereditary Cancer Syndrome; Neoplastic Syndromes, Hereditary. Identifiers: Orphanet 140162, MedGen C0027672, MeSH D009386, MONDO:0015356.
MSH3-related disorder. Also called: MSH3-related condition.
Familial adenomatous polyposis 4 (FAP4). Also called: MSH3-related attenuated familial adenomatous polyposis. Identifiers: Orphanet 480536, MedGen C4310719, MONDO:0044300, OMIM 617100.

Allele frequency attached by ClinVar (database versions not stated): gnomAD exomes 0.00008 and 0.00023; ExAC 0.00031; 1000 Genomes Project 0.00080; gnomAD 0.00082 and 0.00089; TOPMed 0.00088; 1000 Genomes Project 30x 0.00125; ESP Exome Variant Server 0.00169.
gnomAD v4.1: 243 of 1,613,706 alleles (0.015%); highest among the groups gnomAD compares: African/African-American, 0.29%; 1 homozygote.

Submissions (8):

Labcorp Genetics (formerly Invitae), Labcorp
Classification: Likely benign. Last evaluated: 2026-01-27. Review status: criteria provided, single submitter. Criteria: Invitae Variant Classification Sherloc (09022015). Collection method: clinical testing. Allele origin: germline.

Quest Diagnostics Nichols Institute San Juan Capistrano
Classification: Likely benign. Last evaluated: 2025-09-17. Review status: criteria provided, single submitter. Criteria: Quest Diagnostics criteria. Collection method: clinical testing. Allele origin: unknown.

GeneDx
Classification: Uncertain significance. Last evaluated: 2025-06-12. Review status: criteria provided, single submitter. Criteria: GeneDx Variant Classification Process June 2021. Collection method: clinical testing. Allele origin: germline. Affected: yes.
Comment: In silico analysis supports that this missense variant has a deleterious effect on protein structure/function; Observed in individuals with colon cancer (PMID: 28944238); This variant is associated with the following publications: (PMID: 21153778, 28944238, 36896836)

Center for Genomic Medicine, Rigshospitalet, Copenhagen University Hospital
Classification: Uncertain significance. Last evaluated: 2025-03-04. Review status: criteria provided, single submitter. Criteria: ACMG Guidelines, 2015. Collection method: clinical testing. Allele origin: germline.

Department of Pathology and Laboratory Medicine, Sinai Health System
Classification: Uncertain significance for Familial adenomatous polyposis 4. Last evaluated: 2023-05-31. Review status: criteria provided, single submitter. Criteria: ACMG Guidelines, 2015. Collection method: clinical testing. Allele origin: germline. Affected: yes.

Sema4
Classification: Uncertain significance for Hereditary cancer-predisposing syndrome. Last evaluated: 2021-10-19. Review status: criteria provided, single submitter. Criteria: Sema4 Curation Guidelines. Collection method: curation. Allele origin: germline.
Comment: The MSH3 c.2005C>T (p.R669W) variant has been reported in at least three individuals with colorectal cancer (PMID: 28944238). It was observed in 81/24956 chromosomes of the African/African American subpopulation, in the large and broad cohorts of the Genome Aggregation Database (PMID: 32461654). The variant has been reported in ClinVar (Variation ID 733995). Functional studies have not been performed, and in silico predictions of the variant's effect on protein function are inconclusive. The evidence is insufficient to meet ACMG/AMP criteria for classifying the variant as benign or pathogenic. Thus, the clinical significance of this variant is currently uncertain.

Ambry Genetics
Classification: Likely benign for Hereditary cancer-predisposing syndrome. Last evaluated: 2021-04-12. Review status: criteria provided, single submitter. Criteria: Ambry Variant Classification Scheme 2023. Collection method: clinical testing. Allele origin: germline.

PreventionGenetics, part of Exact Sciences
Classification: Likely benign for MSH3-related condition. Last evaluated: 2019-11-11. Review status: no assertion criteria provided. Collection method: clinical testing. Allele origin: germline. Not counted in ClinVar's aggregate classification.
Comment: This variant is classified as likely benign based on ACMG/AMP sequence variant interpretation guidelines (Richards et al. 2015 PMID: 25741868, with internal and published modifications).

Literature cited by the submitters: PubMed 21153778 (cited by Quest Diagnostics Nichols Institute San Juan Capistrano); PubMed 28944238 (cited by 4 submitters).